The following is an entry in ClinVar:

NM_001291088.2(WDR87):c.1796T>C (p.Ile599Thr)

Gene: WDR87 (WD repeat domain 87; minus strand). Cytogenetic location: 19q13.13.
Variant type: single nucleotide variant.
Coding change: c.1796T>C on transcript NM_001291088.2 (MANE Select); coding-DNA position 1796, T replaced by C.
Protein change: p.Ile599Thr; replaces isoleucine 599 with threonine.
Molecular consequence: missense variant.
Genome position (GRCh38, 1-based): chr19:37,893,907, A>G on the plus strand (T>C on the coding strand, the complement: WDR87 is on the minus strand). VCF-style: chr19-37893907-A-G. GRCh37 (hg19) VCF-style: chr19-38384547-A-G.
Other names: c.1679T>C (NM_031951.3); c.1679T>C, p.Ile560Thr (NM_031951.5); short protein forms I599T, I560T.
Identifiers: ClinVar variation 1420293 (VCV001420293.9), dbSNP rs889572964, ClinGen allele CA308026642.

ClinVar aggregate classification (germline): Uncertain significance. Review status: criteria provided, multiple submitters, no conflicts (2 of 4 stars). 2 submissions from 2 submitters: Uncertain significance (2). Last evaluated 2025-11-05.

Allele frequency attached by ClinVar (database versions not stated): gnomAD 0.00001; TOPMed 0.00002.

Submissions (2):

Ambry Genetics
Classification: Uncertain significance. Last evaluated: 2025-11-05. Review status: criteria provided, single submitter. Criteria: Ambry Variant Classification Scheme 2023. Collection method: clinical testing. Allele origin: germline.

Labcorp Genetics (formerly Invitae), Labcorp
Classification: Uncertain significance. Last evaluated: 2021-07-21. Review status: criteria provided, single submitter. Criteria: Invitae Variant Classification Sherloc (09022015). Collection method: clinical testing. Allele origin: germline.
Comment: This sequence change replaces isoleucine with threonine at codon 560 of the WDR87 protein (p.Ile560Thr). The isoleucine residue is highly conserved and there is a moderate physicochemical difference between isoleucine and threonine. This variant is not present in population databases (ExAC no frequency). This variant has not been reported in the literature in individuals affected with WDR87-related conditions. In summary, the available evidence is currently insufficient to determine the role of this variant in disease. Therefore, it has been classified as a Variant of Uncertain Significance. Algorithms developed to predict the effect of sequence changes on RNA splicing suggest that this variant may create or strengthen a splice site. Algorithms developed to predict the effect of missense changes on protein structure and function are either unavailable or do not agree on the potential impact of this missense change (SIFT: "Deleterious"; PolyPhen-2: "Probably Damaging"; Align-GVGD: "Class C0").